The following is an entry in ClinVar:

ClinVar aggregate classification (germline): Pathogenic/Likely pathogenic. Review status: criteria provided, multiple submitters, no conflicts (2 of 4 stars). 5 submissions from 5 submitters: Pathogenic (1); Likely pathogenic (3). 1 of the submissions does not count toward it. Last evaluated 2025-08-11.

Conditions:
Rare genetic deafness. Identifiers: Orphanet 96210, MedGen C5680250.
Pituitary adenoma 5, multiple types. Identifiers: MedGen C4539685, MONDO:0054601, OMIM 617540.
CDH23-related disorder. Also called: CDH23-related condition; CDH23-related disorders.
Usher syndrome type 1 (USH1). Also called: RETINITIS PIGMENTOSA AND CONGENITAL DEAFNESS. Identifiers: Orphanet 231169, Orphanet 886, MedGen C1568247, MONDO:0010168, OMIM 276900.

Allele frequency attached by ClinVar (database versions not stated): ExAC 0.00001; gnomAD 0.00001; gnomAD exomes 0.00001; TOPMed 0.00002.
gnomAD v4.1: 8 of 1,613,038 alleles (0.0005%); highest among the groups gnomAD compares: African/African-American, 0.004%; no homozygotes.

Submissions (5):

Natera, Inc.
Classification: Likely pathogenic for Usher syndrome type 1. Last evaluated: 2025-08-11. Review status: criteria provided, single submitter. Criteria: Natera Variant Classification Schema (03/2026). Collection method: clinical testing. Allele origin: germline.
Comment: The c.5712G>A variant in CDH23 is a synonymous variant that does not alter the encoded amino acid at position 1904 (p.T1904=). This variant is rare in the general population with a frequency below the threshold expected for the associated phenotype(s). This variant has been observed in one or more individuals affected with the associated recessive disease, as either homozygous or compound heterozygous with a second variant (PMID: 21738395, 38088826, 11857743, 36979683, 37217689). Functional studies show that this variant may disrupt protein function (PMID: 11857743). Computational prediction algorithms indicate this variant is likely to affect gene or protein function. Given the available evidence, this variant is classified as Likely Pathogenic.

Labcorp Genetics (formerly Invitae), Labcorp
Classification: Pathogenic. Last evaluated: 2025-05-05. Review status: criteria provided, single submitter. Criteria: Invitae Variant Classification Sherloc (09022015). Collection method: clinical testing. Allele origin: germline.
Comment: This sequence change affects codon 1904 of the CDH23 mRNA. It is a 'silent' change, meaning that it does not change the encoded amino acid sequence of the CDH23 protein. RNA analysis indicates that this variant induces altered splicing and likely results in a shortened protein product. This variant is present in population databases (rs397517342, gnomAD 0.007%). This variant has been observed in individual(s) with Usher syndrome (PMID: 11857743, 21738395). In at least one individual the data is consistent with being in trans (on the opposite chromosome) from a pathogenic variant. ClinVar contains an entry for this variant (Variation ID: 45989). Variants that disrupt the consensus splice site are a relatively common cause of aberrant splicing (PMID: 17576681, 9536098). Studies have shown that this variant results in skipping of exon 42, but is expected to preserve the integrity of the reading-frame (PMID: 11857743). For these reasons, this variant has been classified as Pathogenic.

Laboratory for Molecular Medicine, Mass General Brigham Personalized Medicine
Classification: Likely pathogenic for Rare genetic deafness. Last evaluated: 2024-02-01. Review status: criteria provided, single submitter. Criteria: ACMG Guidelines, 2015. Collection method: clinical testing. Allele origin: germline. Inheritance: Autosomal recessive inheritance.
Comment: The c.5712G>A (p.Thr1904Thr) variant in CDH23 has been identified in 4 individuals with Usher syndrome (1 homozygote and 3 compound heterozygotes with another disease causing variant in CDH23) and segregated with disease in 2 affected relatives from 2 families (von Brederlow 2002 PMID: 11857743, Vozzi 2011 PMID: 21738395, LMM internal data). This variant has also been reported by other clinical laboratories in ClinVar (Variation ID 45989) and has been identified in 0.002% (1/41468) of African chromosomes by gnomAD (v.3.1.2). This variant is located in the last base of the exon, which is part of the 5’ splice region. Computational tools predict a splicing impact and exon-trapping assays reveal that the variant causes skipping of exon 43 which does not result in the disruption of the reading frame (von Brederlow 2002 PMID: 11857743). In summary, although additional studies are required to fully establish its clinical significance, this variant meets criteria to be classified as likely pathogenic for autosomal recessive Usher syndrome. ACMG/AMP Criteria applied: PM3_Strong, PS3_Moderate, PP1_Moderate, PM2_Supporting.

Baylor Genetics
Classification: Likely pathogenic for Pituitary adenoma 5, multiple types. Last evaluated: 2023-08-23. Review status: criteria provided, single submitter. Criteria: ACMG Guidelines, 2015. Collection method: clinical testing. Allele origin: unknown.

PreventionGenetics, part of Exact Sciences
Classification: Pathogenic for CDH23-related condition. Last evaluated: 2024-02-15. Review status: no assertion criteria provided. Collection method: clinical testing. Allele origin: germline. Not counted in ClinVar's aggregate classification.
Comment: The CDH23 c.5712G>A variant is not predicted to result in an amino acid change (p.=). This variant occurs at the last nucleotide of exon 43 and is predicted to impact splicing (Alamut Visual Plus v1.6.1). This variant was reported in the homozygous or compound heterozygous state in individuals with Usher syndrome or inherited retinal disease (von Brederlow et al. 2002. PubMed ID: 11857743; Vozzi et al. 2011. PubMed ID: 21738395; Supplemental Table, Holtan et al. 2019. PubMed ID: 31429209; Table S1, Karali et al. 2022. PubMed ID: 36460718). In vitro exon skipping experiments showed that the c.5712G>A variant results in skipping of exon 43, which does not alter the reading frame but would result in the loss of 70 amino acids (von Brederlow et al. 2002. PubMed ID: 11857743). This variant is reported in 0.0065% of alleles in individuals of African descent in gnomAD. This variant is interpreted as pathogenic.

Literature cited by the submitters: PubMed 21738395 (cited by 3 submitters); PubMed 38088826 (cited by Natera, Inc.); PubMed 11857743 (cited by 3 submitters); PubMed 36979683 (cited by Natera, Inc.); PubMed 37217689 (cited by Natera, Inc.); PubMed 17576681 (cited by Labcorp Genetics (formerly Invitae), Labcorp); PubMed 9536098 (cited by Labcorp Genetics (formerly Invitae), Labcorp).

NM_022124.6(CDH23):c.5712G>A (p.Thr1904=)

Gene: CDH23 (cadherin related 23; plus strand). Cytogenetic location: 10q22.1.
Variant type: single nucleotide variant.
Coding change: c.5712G>A on transcript NM_022124.6 (MANE Select); coding-DNA position 5712, G replaced by A.
Protein change: p.Thr1904=; no amino-acid change (threonine 1904 retained).
Molecular consequence: synonymous variant.
Genome position (GRCh38, 1-based): chr10:71,785,100, G>A. VCF-style: chr10-71785100-G-A. GRCh37 (hg19) VCF-style: chr10-73544857-G-A.
Identifiers: ClinVar variation 45989 (VCV000045989.18), dbSNP rs397517342, ClinGen allele CA261788.
Genomic context (GRCh38, chr10:71,785,100, plus strand): 5'-ACGCCTCACCTTCAACATCACTGCGGGCAACCGCGAGCGGGCCTTCTTCATCAATGCCAC[G>A]GTAGGGCCTAGACTGACCCCAGGGAGCTTCCCAGGGTTTCCAGTGAAAAAGAGGACCCTG-3'
Protein context (NP_071407.4, residues 1894-1914): NRERAFFINA[Thr1904=]TGIVTVNRPL